The following is an entry in ClinVar:

NM_020754.4(ARHGAP31):c.2314G>A (p.Gly772Arg)

Gene: ARHGAP31 (Rho GTPase activating protein 31; plus strand). Cytogenetic location: 3q13.33.
Variant type: single nucleotide variant.
Coding change: c.2314G>A on transcript NM_020754.4 (MANE Select); coding-DNA position 2314, G replaced by A.
Protein change: p.Gly772Arg; replaces glycine 772 with arginine.
Molecular consequence: missense variant.
Genome position (GRCh38, 1-based): chr3:119,414,243, G>A. VCF-style: chr3-119414243-G-A. GRCh37 (hg19) VCF-style: chr3-119133090-G-A.
Other names: short protein forms G772R.
Identifiers: ClinVar variation 1049744 (VCV001049744.1), dbSNP rs781272160, ClinGen allele CA2554005.

ClinVar aggregate classification (germline): Uncertain significance (0 of 4 stars; one submission).

Allele frequency attached by ClinVar (database versions not stated): ExAC 0.00002; gnomAD exomes 0.00002 and 0.00005; gnomAD 0.00005; TOPMed 0.00005.
gnomAD v4.1: 82 of 1,614,068 alleles (0.0051%); highest among the groups gnomAD compares: Non-Finnish European, 0.0067%; no homozygotes.

Submission:

Department of Pathology and Laboratory Medicine, Sinai Health System
Classification: Uncertain significance. Review status: no assertion criteria provided. Collection method: clinical testing. Allele origin: unknown. Affected: yes. Study: The Canadian Open Genetics Repository (COGR).
Comment: The ARHGAP31 p.Gly772Arg variant was not identified in the literature nor was it identified in ClinVar or LOVD 3.0. The c.2314G>A variant was identified in dbSNP (ID: rs781272160) with unknown clinical significance and in Cosmic with a FATHMM prediction score of 0.05 (Neutral). The variant was identified in control databases in 5 of 249012 chromosomes at a frequency of 0.00002 (Genome Aggregation Database Feb 27, 2017). The variant was observed in the following populations: African in 1 of 15478 chromosomes (freq: 0.000065), Latino in 1 of 34516 chromosomes (freq: 0.000029) and European (non-Finnish) in 3 of 112812 chromosomes (freq: 0.000027); it was not observed in the Ashkenazi Jewish, East Asian, European (Finnish), Other and South Asian populations. The variant occurs outside of the splicing consensus sequence however 4 of 4 in silico or computational prediction software programs (SpliceSiteFinder, MaxEntScan, NNSPLICE, GeneSplicer) predict a greater than 10% difference in splicing and the creation of a new 5' splice site. The p.Gly772 residue is not highly conserved and 4 out of 5 computational analyses (PolyPhen-2, SIFT, AlignGVGD, MutationTaster) do not suggest a high likelihood of impact to the protein; however, this information is not predictive enough to rule out pathogenicity. In summary, based on the above information the clinical significance of this variant cannot be determined with certainty at this time. This variant is classified as a variant of uncertain significance.